The following is an entry in ClinVar:

ClinVar aggregate classification (germline): Uncertain significance (1 of 4 stars; one submission).

Allele frequency attached by ClinVar (database versions not stated): gnomAD exomes below 0.00001.

Submission:

Labcorp Genetics (formerly Invitae), Labcorp
Classification: Uncertain significance. Last evaluated: 2022-07-25. Review status: criteria provided, single submitter. Criteria: Invitae Variant Classification Sherloc (09022015). Collection method: clinical testing. Allele origin: germline.
Comment: In summary, the available evidence is currently insufficient to determine the role of this variant in disease. Therefore, it has been classified as a Variant of Uncertain Significance. Algorithms developed to predict the effect of missense changes on protein structure and function (SIFT, PolyPhen-2, Align-GVGD) all suggest that this variant is likely to be disruptive. ClinVar contains an entry for this variant (Variation ID: 1484737). This variant has not been reported in the literature in individuals affected with LAT-related conditions. This variant is not present in population databases (gnomAD no frequency). This sequence change replaces glutamic acid, which is acidic and polar, with lysine, which is basic and polar, at codon 227 of the LAT protein (p.Glu227Lys).

NM_001014987.2(LAT):c.679G>A (p.Glu227Lys)

Gene: LAT (linker for activation of T cells; plus strand). Cytogenetic location: 16p11.2.
Variant type: single nucleotide variant.
Coding change: c.679G>A on transcript NM_001014987.2 (MANE Select); coding-DNA position 679, G replaced by A.
Protein change: p.Glu227Lys; replaces glutamic acid 227 with lysine.
Molecular consequence: missense variant.
Genome position (GRCh38, 1-based): chr16:28,989,989, G>A. VCF-style: chr16-28989989-G-A. GRCh37 (hg19) VCF-style: chr16-29001310-G-A.
Other names: c.676G>A, p.Glu226Lys (NM_001014988.2); c.787G>A, p.Glu263Lys (NM_001014989.2); c.766G>A, p.Glu256Lys (NM_014387.4); short protein forms E226K, E227K, E256K, E263K.
Identifiers: ClinVar variation 1484737 (VCV001484737.8), dbSNP rs2141689503, ClinGen allele CA395444049.